The following is an entry in ClinVar:

NM_004168.4(SDHA):c.622-4T>C

Gene: SDHA (succinate dehydrogenase complex flavoprotein subunit A; plus strand). Cytogenetic location: 5p15.33.
Variant type: single nucleotide variant.
Coding change: c.622-4T>C on transcript NM_004168.4 (MANE Select); 4 bases into the intron before coding-DNA position 622, T replaced by C.
Molecular consequence: intron variant.
Genome position (GRCh38, 1-based): chr5:228,181, T>C. VCF-style: chr5-228181-T-C. GRCh37 (hg19) VCF-style: chr5-228296-T-C.
Other names: c.622-4T>C (NM_001330758.2); c.478-4T>C (NM_001294332.2).
Identifiers: ClinVar variation 712539 (VCV000712539.14), dbSNP rs1579390820, ClinGen allele CA915943258.
Genomic context (GRCh38, chr5:228,181, plus strand): 5'-TACCACCTTAAAACCTTAAAGTTTGGCTTAACACTTCTTGCCCTTTTTTTTTCCTTTCTT[T>C]TAGTCTCTGCGATATGATACCAGCTATTTTGTGGAGTATTTTGCCTTGGATCTCCTGATG-3'

ClinVar aggregate classification (germline): Likely benign. Review status: criteria provided, multiple submitters, no conflicts (2 of 4 stars). 3 submissions from 3 submitters: Likely benign (3). Last evaluated 2025-11-23.

Conditions:
Hereditary cancer-predisposing syndrome. Also called: Tumor predisposition; Neoplastic Syndromes, Hereditary; Hereditary Cancer Syndrome; Hereditary neoplastic syndrome. Identifiers: Orphanet 140162, MedGen C0027672, MeSH D009386, MONDO:0015356.
Pheochromocytoma/paraganglioma syndrome 5. Also called: Paragangliomas 5; SDHA-Related Hereditary Paraganglioma-Pheochromocytoma Syndrome. Identifiers: Orphanet 29072, MedGen C3279992, MONDO:0013602, OMIM 614165.
Mitochondrial complex II deficiency, nuclear type 1. Also called: SUCCINATE CoQ REDUCTASE DEFICIENCY. Identifiers: Orphanet 3208, MedGen C5700310, MONDO:0100294, OMIM 252011.

Allele frequency attached by ClinVar (database versions not stated): TOPMed below 0.00001.
gnomAD v4.1: 2 of 1,613,804 alleles (0.00012%); highest among the groups gnomAD compares: Non-Finnish European, 0.00017%; no homozygotes.

Submissions (3):

Labcorp Genetics (formerly Invitae), Labcorp
Classification: Likely benign for Pheochromocytoma/paraganglioma syndrome 5; Mitochondrial complex II deficiency, nuclear type 1. Last evaluated: 2025-11-23. Review status: criteria provided, single submitter. Criteria: Invitae Variant Classification Sherloc (09022015). Collection method: clinical testing. Allele origin: germline.

Myriad Genetics, Inc.
Classification: Likely benign for Pheochromocytoma/paraganglioma syndrome 5. Last evaluated: 2025-03-03. Review status: criteria provided, single submitter. Criteria: Myriad Autosomal Dominant, Autosomal Recessive and X-Linked Classification Criteria (2023). Collection method: clinical testing. Allele origin: unknown.
Comment: This variant is considered likely benign. This variant is intronic and is not expected to impact mRNA splicing.

Ambry Genetics
Classification: Likely benign for Hereditary cancer-predisposing syndrome. Last evaluated: 2024-01-10. Review status: criteria provided, single submitter. Criteria: Ambry Variant Classification Scheme 2023. Collection method: clinical testing. Allele origin: germline.